The following is an entry in ClinVar:

NM_183075.3(CYP2U1):c.1481A>G (p.Gln494Arg)

Gene: CYP2U1 (cytochrome P450 family 2 subfamily U member 1; plus strand). Cytogenetic location: 4q25.
Variant type: single nucleotide variant.
Coding change: c.1481A>G on transcript NM_183075.3 (MANE Select); coding-DNA position 1481, A replaced by G.
Protein change: p.Gln494Arg; replaces glutamine 494 with arginine.
Molecular consequence: missense variant.
Genome position (GRCh38, 1-based): chr4:107,950,269, A>G. VCF-style: chr4-107950269-A-G. GRCh37 (hg19) VCF-style: chr4-108871425-A-G.
Other names: short protein forms Q494R.
Identifiers: ClinVar variation 1379737 (VCV001379737.7), dbSNP rs1036607521, ClinGen allele CA102869517.

ClinVar aggregate classification (germline): Uncertain significance (1 of 4 stars; one submission).

Conditions:
Spastic paraplegia. Identifiers: MedGen C0037772, HP:0001258.

Allele frequency attached by ClinVar (database versions not stated): gnomAD exomes below 0.00001 and 0.00001; gnomAD 0.00001; TOPMed 0.00002.
gnomAD v4.1: 11 of 1,612,970 alleles (0.00068%); highest among the groups gnomAD compares: Admixed American, 0.0084%; no homozygotes.

Submission:

Labcorp Genetics (formerly Invitae), Labcorp
Classification: Uncertain significance for Spastic paraplegia. Last evaluated: 2024-07-01. Review status: criteria provided, single submitter. Criteria: Invitae Variant Classification Sherloc (09022015). Collection method: clinical testing. Allele origin: germline.
Comment: This sequence change replaces glutamine, which is neutral and polar, with arginine, which is basic and polar, at codon 494 of the CYP2U1 protein (p.Gln494Arg). This variant is present in population databases (no rsID available, gnomAD no frequency). This variant has not been reported in the literature in individuals affected with CYP2U1-related conditions. ClinVar contains an entry for this variant (Variation ID: 1379737). Advanced modeling of protein sequence and biophysical properties (such as structural, functional, and spatial information, amino acid conservation, physicochemical variation, residue mobility, and thermodynamic stability) performed at Invitae indicates that this missense variant is not expected to disrupt CYP2U1 protein function with a negative predictive value of 95%. In summary, the available evidence is currently insufficient to determine the role of this variant in disease. Therefore, it has been classified as a Variant of Uncertain Significance.